The following is an entry in ClinVar:

ClinVar aggregate classification (germline): Uncertain significance (1 of 4 stars; one submission).

Submission:

GeneDx
Classification: Uncertain significance. Last evaluated: 2024-12-31. Review status: criteria provided, single submitter. Criteria: GeneDx Variant Classification Process June 2021. Collection method: clinical testing. Allele origin: germline. Affected: yes.
Comment: Not observed at significant frequency in large population cohorts (gnomAD); In silico analysis indicates that this missense variant does not alter protein structure/function; Has not been previously published as pathogenic or benign to our knowledge

NM_170606.3(KMT2C):c.12149C>T (p.Ser4050Leu)

Gene: KMT2C (lysine methyltransferase 2C; minus strand). Cytogenetic location: 7q36.1.
Variant type: single nucleotide variant.
Coding change: c.12149C>T on transcript NM_170606.3 (MANE Select); coding-DNA position 12149, C replaced by T.
Protein change: p.Ser4050Leu; replaces serine 4050 with leucine.
Molecular consequence: missense variant.
Genome position (GRCh38, 1-based): chr7:152,154,137, G>A on the plus strand (C>T on the coding strand, the complement: KMT2C is on the minus strand). VCF-style: chr7-152154137-G-A. GRCh37 (hg19) VCF-style: chr7-151851222-G-A.
Other names: short protein forms S4050L.
Identifiers: ClinVar variation 3907890 (VCV003907890.1).
Genomic context (GRCh38, chr7:152,154,137, plus strand): 5'-GGACCAAAAGGTGACGCAAAATATAAAGTGCCTGGCTCAGTTTTGATGTCATTCCTTCTT[G>A]ATTCTGAACCTTTAAAAAGAGAGAAAAAAAAGAGGAAAATAGTGTTAATGGATTTTCAAA-3'
Protein context (NP_733751.2, residues 4040-4060): LPSTAGKSSE[Ser4050Leu]RRNDIKTEPG